The following is an entry in ClinVar:

NM_001386393.1(PANK2):c.233G>C (p.Gly78Ala)

Genes: PANK2 (pantothenate kinase 2; plus strand), LOC130065345 (ATAC-STARR-seq lymphoblastoid silent region 12635; plus strand). Cytogenetic location: 20p13.
Variant type: single nucleotide variant.
Coding change: c.233G>C on transcript NM_001386393.1 (MANE Select); coding-DNA position 233, G replaced by C.
Protein change: p.Gly78Ala; replaces glycine 78 with alanine.
Molecular consequence: missense variant. On other transcripts: 5 prime UTR variant (1), non-coding transcript variant (1), intron variant (1).
Genome position (GRCh38, 1-based): chr20:3,889,663, G>C. VCF-style: chr20-3889663-G-C. GRCh37 (hg19) VCF-style: chr20-3870310-G-C.
Other names: c.-479G>C (NM_001324191.2); c.563G>C, p.Gly188Ala (NM_001324192.1, NM_153638.4); c.-246+759G>C (NM_024960.6); short protein forms G188A, G78A.
Identifiers: ClinVar variation 644638 (VCV000644638.11), dbSNP rs1380924374, ClinGen allele CA408141949.

ClinVar aggregate classification (germline): Uncertain significance (1 of 4 stars; one submission).

Conditions:
Pigmentary pallidal degeneration (NBIA1). Also called: PKAN NEUROAXONAL DYSTROPHY, JUVENILE-ONSET; Neurodegeneration with brain iron accumulation 1; Neuroaxonal dystrophy, late infantile; Hallervorden-Spatz disease; HARP SYNDROME; Pantothenate Kinase-Associated Neurodegeneration. Identifiers: Orphanet 157850, MedGen C0018523, MONDO:0009319, OMIM 234200.

Submission:

Labcorp Genetics (formerly Invitae), Labcorp
Classification: Uncertain significance for Pigmentary pallidal degeneration. Last evaluated: 2019-05-04. Review status: criteria provided, single submitter. Criteria: Invitae Variant Classification Sherloc (09022015). Collection method: clinical testing. Allele origin: germline.
Comment: In summary, the available evidence is currently insufficient to determine the role of this variant in disease. Therefore, it has been classified as a Variant of Uncertain Significance. Algorithms developed to predict the effect of missense changes on protein structure and function (SIFT, PolyPhen-2, Align-GVGD) all suggest that this variant is likely to be tolerated, but these predictions have not been confirmed by published functional studies and their clinical significance is uncertain. This variant has not been reported in the literature in individuals with PANK2-related disease. This variant is not present in population databases (ExAC no frequency). This sequence change replaces glycine with alanine at codon 188 of the PANK2 protein (p.Gly188Ala). The glycine residue is weakly conserved and there is a small physicochemical difference between glycine and alanine.